The following is an entry in ClinVar:

NM_014845.6(FIG4):c.2623A>T (p.Ile875Phe)

Gene: FIG4 (FIG4 phosphoinositide 5-phosphatase; plus strand). Cytogenetic location: 6q21.
Variant type: single nucleotide variant.
Coding change: c.2623A>T on transcript NM_014845.6 (MANE Select); coding-DNA position 2623, A replaced by T.
Protein change: p.Ile875Phe; replaces isoleucine 875 with phenylalanine.
Molecular consequence: missense variant.
Genome position (GRCh38, 1-based): chr6:109,825,164, A>T. VCF-style: chr6-109825164-A-T. GRCh37 (hg19) VCF-style: chr6-110146367-A-T.
Other names: short protein forms I875F.
Identifiers: ClinVar variation 1714597 (VCV001714597.6), dbSNP rs2486296540, ClinGen allele CA365224981.
Genomic context (GRCh38, chr6:109,825,164, plus strand): 5'-TTCTCGCAAGATAACATCTATGAAGTTCAGCCCCCAAGAGTAGACAGAAAATCTACAGAG[A>T]TCTTCCAAGCCCACATCCAGGCCAGCCAAGGTATCATGCAGCCCCTAGGAAAAGAGGACT-3'
Protein context (NP_055660.1, residues 865-885): PPRVDRKSTE[Ile875Phe]FQAHIQASQG

ClinVar aggregate classification (germline): Uncertain significance. Review status: criteria provided, multiple submitters, no conflicts (2 of 4 stars). 2 submissions from 2 submitters: Uncertain significance (2). Last evaluated 2024-02-19.

Conditions:
Charcot-Marie-Tooth disease type 4. Also called: Charcot-Marie-Tooth disease, type IV; Charcot-Marie-Tooth, Type 4. Identifiers: Orphanet 64749, MedGen C4082197, MONDO:0018995.

Submissions (2):

Clinical Genetics Laboratory, Skane University Hospital Lund
Classification: Uncertain significance. Last evaluated: 2024-02-19. Review status: criteria provided, single submitter. Criteria: ACMG Guidelines, 2015. Collection method: clinical testing. Allele origin: germline. Affected: yes.

Labcorp Genetics (formerly Invitae), Labcorp
Classification: Uncertain significance for Charcot-Marie-Tooth disease type 4. Last evaluated: 2022-07-30. Review status: criteria provided, single submitter. Criteria: Invitae Variant Classification Sherloc (09022015). Collection method: clinical testing. Allele origin: germline.
Comment: Algorithms developed to predict the effect of missense changes on protein structure and function are either unavailable or do not agree on the potential impact of this missense change (SIFT: "Tolerated"; PolyPhen-2: "Possibly Damaging"; Align-GVGD: "Class C0"). This variant has not been reported in the literature in individuals affected with FIG4-related conditions. This variant is not present in population databases (gnomAD no frequency). This sequence change replaces isoleucine, which is neutral and non-polar, with phenylalanine, which is neutral and non-polar, at codon 875 of the FIG4 protein (p.Ile875Phe). In summary, the available evidence is currently insufficient to determine the role of this variant in disease. Therefore, it has been classified as a Variant of Uncertain Significance.